The following is an entry in ClinVar:

ClinVar aggregate classification (germline): Uncertain significance. Review status: criteria provided, multiple submitters, no conflicts (2 of 4 stars). 2 submissions from 2 submitters: Uncertain significance (2). Last evaluated 2024-07-01.

gnomAD v4.1: 23 of 1,613,534 alleles (0.0014%); highest among the groups gnomAD compares: Admixed American, 0.038%; no homozygotes.

Submissions (2):

Labcorp Genetics (formerly Invitae), Labcorp
Classification: Uncertain significance. Last evaluated: 2024-07-01. Review status: criteria provided, single submitter. Criteria: Invitae Variant Classification Sherloc (09022015). Collection method: clinical testing. Allele origin: germline.
Comment: This sequence change replaces glutamic acid, which is acidic and polar, with glutamine, which is neutral and polar, at codon 298 of the COQ8A protein (p.Glu298Gln). This variant is present in population databases (no rsID available, gnomAD 0.01%). This variant has not been reported in the literature in individuals affected with COQ8A-related conditions. ClinVar contains an entry for this variant (Variation ID: 1312758). Advanced modeling of protein sequence and biophysical properties (such as structural, functional, and spatial information, amino acid conservation, physicochemical variation, residue mobility, and thermodynamic stability) has been performed at Invitae for this missense variant, however the output from this modeling did not meet the statistical confidence thresholds required to predict the impact of this variant on COQ8A protein function. In summary, the available evidence is currently insufficient to determine the role of this variant in disease. Therefore, it has been classified as a Variant of Uncertain Significance.

GeneDx
Classification: Uncertain significance. Last evaluated: 2020-07-01. Review status: criteria provided, single submitter. Criteria: GeneDx Variant Classification Process June 2021. Collection method: clinical testing. Allele origin: germline. Affected: yes.
Comment: Not observed at a significant frequency in large population cohorts (Lek et al., 2016); In silico analysis supports that this missense variant has a deleterious effect on protein structure/function; Has not been previously published as pathogenic or benign to our knowledge

NM_020247.5(COQ8A):c.892G>C (p.Glu298Gln)

Gene: COQ8A (coenzyme Q8A; plus strand). Cytogenetic location: 1q42.13.
Variant type: single nucleotide variant.
Coding change: c.892G>C on transcript NM_020247.5 (MANE Select); coding-DNA position 892, G replaced by C.
Protein change: p.Glu298Gln; replaces glutamic acid 298 with glutamine.
Molecular consequence: missense variant.
Genome position (GRCh38, 1-based): chr1:226,982,716, G>C. VCF-style: chr1-226982716-G-C. GRCh37 (hg19) VCF-style: chr1-227170417-G-C.
Other names: short protein forms E298Q.
Identifiers: ClinVar variation 1312758 (VCV001312758.6), dbSNP rs756432144, ClinGen allele CA345052318.
Genomic context (GRCh38, chr1:226,982,716, plus strand): 5'-GTGTCATTCTCCTGCCTTCCAGATGATGCCTTTATCAACCCCCACCTGGCTAAGATCTTC[G>C]AGCGGGTGCGGCAGAGCGCGGACTTCATGCCACTGAAGCAGATGATGGTGAGGAGCCAGG-3'
Protein context (NP_064632.2, residues 288-308): FINPHLAKIF[Glu298Gln]RVRQSADFMP